The following is an entry in ClinVar:

NM_017763.6(RNF43):c.1589C>T (p.Pro530Leu)

Gene: RNF43 (ring finger protein 43; minus strand). Cytogenetic location: 17q22.
Variant type: single nucleotide variant.
Coding change: c.1589C>T on transcript NM_017763.6 (MANE Select); coding-DNA position 1589, C replaced by T.
Protein change: p.Pro530Leu; replaces proline 530 with leucine.
Molecular consequence: missense variant.
Genome position (GRCh38, 1-based): chr17:58,358,187, G>A on the plus strand (C>T on the coding strand, the complement: RNF43 is on the minus strand). VCF-style: chr17-58358187-G-A. GRCh37 (hg19) VCF-style: chr17-56435548-G-A.
Other names: c.1589C>T, p.Pro530Leu (NM_001305544.3); c.1208C>T, p.Pro403Leu (NM_001305545.2); c.1589C>T (NM_017763.4); short protein forms P530L, P403L.
Identifiers: ClinVar variation 1505757 (VCV001505757.9), dbSNP rs372693738, ClinGen allele CA400329253.

ClinVar aggregate classification (germline): Uncertain significance. Review status: criteria provided, multiple submitters, no conflicts (2 of 4 stars). 2 submissions from 2 submitters: Uncertain significance (2). Last evaluated 2026-05-01.

gnomAD v4.1: 1 of 1,612,746 alleles (0.000062%); highest among the groups gnomAD compares: Non-Finnish European, 0.000085%; no homozygotes.

Submissions (2):

Ambry Genetics
Classification: Uncertain significance. Last evaluated: 2026-05-01. Review status: criteria provided, single submitter. Criteria: Ambry Variant Classification Scheme 2023. Collection method: clinical testing. Allele origin: germline.
Comment: The p.P530L variant (also known as c.1589C>T), located in coding exon 8 of the RNF43 gene, results from a C to T substitution at nucleotide position 1589. The proline at codon 530 is replaced by leucine, an amino acid with similar properties. This amino acid position is conserved. In addition, this alteration is predicted to be tolerated by in silico analysis. Based on the available evidence, the clinical significance of this variant remains unclear.

Labcorp Genetics (formerly Invitae), Labcorp
Classification: Uncertain significance. Last evaluated: 2021-03-08. Review status: criteria provided, single submitter. Criteria: Invitae Variant Classification Sherloc (09022015). Collection method: clinical testing. Allele origin: germline.
Comment: In summary, the available evidence is currently insufficient to determine the role of this variant in disease. Therefore, it has been classified as a Variant of Uncertain Significance. This sequence change replaces proline with leucine at codon 530 of the RNF43 protein (p.Pro530Leu). The proline residue is highly conserved and there is a moderate physicochemical difference between proline and leucine. This variant is not present in population databases (ExAC no frequency). This variant has not been reported in the literature in individuals with RNF43-related conditions. Algorithms developed to predict the effect of missense changes on protein structure and function (SIFT, PolyPhen-2, Align-GVGD) all suggest that this variant is likely to be disruptive, but these predictions have not been confirmed by published functional studies and their clinical significance is uncertain.